The following is an entry in ClinVar:

NM_001613.4(ACTA2):c.357G>A (p.Glu119=)

Gene: ACTA2 (actin alpha 2, smooth muscle; minus strand). Cytogenetic location: 10q23.31.
Variant type: single nucleotide variant.
Coding change: c.357G>A on transcript NM_001613.4 (MANE Select); coding-DNA position 357, G replaced by A.
Protein change: p.Glu119=; no amino-acid change (glutamic acid 119 retained).
Molecular consequence: synonymous variant. On other transcripts: intron variant (1).
Genome position (GRCh38, 1-based): chr10:88,943,809, C>T on the plus strand (G>A on the coding strand, the complement: ACTA2 is on the minus strand). VCF-style: chr10-88943809-C-T. GRCh37 (hg19) VCF-style: chr10-90703566-C-T.
Other names: c.357G>A, p.Glu119= (NM_001141945.3, NM_001320855.2, NM_001406462.1 and 3 more transcripts); c.228G>A, p.Glu76= (NM_001406467.1, NM_001406468.1, NM_001406469.1); c.259-1940G>A (NM_001406466.1).
Identifiers: ClinVar variation 1662332 (VCV001662332.10), dbSNP rs756754618, ClinGen allele CA027468.

ClinVar aggregate classification (germline): Likely benign. Review status: criteria provided, multiple submitters, no conflicts (2 of 4 stars). 3 submissions from 3 submitters: Likely benign (3). Last evaluated 2025-08-04.

Conditions:
Familial thoracic aortic aneurysm and aortic dissection (TAAD). Also called: Thoracic aortic aneurysms and dissections. Identifiers: Orphanet 91387, MedGen C4707243, MONDO:0019625.
Aortic aneurysm, familial thoracic 6 (AAT6). Also called: FAMILIAL THORACIC AORTIC ANEURYSM WITH LIVEDO RETICULARIS AND IRIS FLOCCULI. Identifiers: MedGen C2673186, MONDO:0012730, OMIM 611788.

Allele frequency attached by ClinVar (database versions not stated): gnomAD exomes 0.00001; ExAC 0.00002; gnomAD 0.00002; TOPMed 0.00002.
gnomAD v4.1: 6 of 1,613,566 alleles (0.00037%); highest among the groups gnomAD compares: Admixed American, 0.005%; no homozygotes.

Submissions (3):

Labcorp Genetics (formerly Invitae), Labcorp
Classification: Likely benign for Aortic aneurysm, familial thoracic 6. Last evaluated: 2025-08-04. Review status: criteria provided, single submitter. Criteria: Invitae Variant Classification Sherloc (09022015). Collection method: clinical testing. Allele origin: germline.

All of Us Research Program, National Institutes of Health
Classification: Likely benign for Familial thoracic aortic aneurysm and aortic dissection. Last evaluated: 2024-01-11. Review status: criteria provided, single submitter. Criteria: ACMG Guidelines, 2015. Collection method: clinical testing. Allele origin: germline. Inheritance: Autosomal dominant inheritance. Observed: 4 variant alleles, 4 heterozygotes.
Comment: This study involves interpretation of variants in research participants for the purpose of population health screening. Participant phenotype was not available at the time of variant classification. Additional details can be found in publication PMID: 35346344, PMCID: PMC8962531

Color Diagnostics, LLC DBA Color Health
Classification: Likely benign for Familial thoracic aortic aneurysm and aortic dissection. Last evaluated: 2022-04-28. Review status: criteria provided, single submitter. Criteria: ACMG Guidelines, 2015. Collection method: clinical testing. Allele origin: germline.